The following is an entry in ClinVar:

NM_032444.4(SLX4):c.4715C>T (p.Pro1572Leu)

Gene: SLX4 (SLX4 structure-specific endonuclease subunit; minus strand). Cytogenetic location: 16p13.3.
Variant type: single nucleotide variant.
Coding change: c.4715C>T on transcript NM_032444.4 (MANE Select); coding-DNA position 4715, C replaced by T.
Protein change: p.Pro1572Leu; replaces proline 1572 with leucine.
Molecular consequence: missense variant.
Genome position (GRCh38, 1-based): chr16:3,584,793, G>A on the plus strand (C>T on the coding strand, the complement: SLX4 is on the minus strand). VCF-style: chr16-3584793-G-A. GRCh37 (hg19) VCF-style: chr16-3634794-G-A.
Other names: short protein forms P1572L.
Identifiers: ClinVar variation 1022734 (VCV001022734.10), dbSNP rs182432298, ClinGen allele CA7865541.

ClinVar aggregate classification (germline): Uncertain significance. Review status: criteria provided, multiple submitters, no conflicts (2 of 4 stars). 2 submissions from 2 submitters: Uncertain significance (2). Last evaluated 2024-07-26.

Conditions:
Fanconi anemia complementation group P. Also called: SLX4-Related Fanconi Anemia. Identifiers: Orphanet 84, MedGen C3469542, MONDO:0013499, OMIM 613951.
Fanconi anemia (FA). Also called: Fanconi's anemia. Identifiers: Orphanet 84, MedGen C0015625, MeSH D005199, MONDO:0019391.

Allele frequency attached by ClinVar (database versions not stated): gnomAD exomes 0.00001 and 0.00002; ExAC 0.00002; gnomAD 0.00002 and 0.00003; TOPMed 0.00002; 1000 Genomes Project 0.00020; 1000 Genomes Project 30x 0.00031.
gnomAD v4.1: 25 of 1,613,902 alleles (0.0015%); highest among the groups gnomAD compares: South Asian, 0.0055%; no homozygotes.

Submissions (2):

Labcorp Genetics (formerly Invitae), Labcorp
Classification: Uncertain significance for Fanconi anemia. Last evaluated: 2024-07-26. Review status: criteria provided, single submitter. Criteria: Invitae Variant Classification Sherloc (09022015). Collection method: clinical testing. Allele origin: germline.
Comment: This sequence change replaces proline, which is neutral and non-polar, with leucine, which is neutral and non-polar, at codon 1572 of the SLX4 protein (p.Pro1572Leu). This variant is present in population databases (rs182432298, gnomAD 0.006%). This variant has not been reported in the literature in individuals affected with SLX4-related conditions. ClinVar contains an entry for this variant (Variation ID: 1022734). An algorithm developed to predict the effect of missense changes on protein structure and function (PolyPhen-2) suggests that this variant is likely to be disruptive. In summary, the available evidence is currently insufficient to determine the role of this variant in disease. Therefore, it has been classified as a Variant of Uncertain Significance.

Fulgent Genetics
Classification: Uncertain significance for Fanconi anemia complementation group P. Last evaluated: 2022-01-21. Review status: criteria provided, single submitter. Criteria: ACMG Guidelines, 2015. Collection method: clinical testing. Allele origin: unknown.